The following is an entry in ClinVar:

NM_006311.4(NCOR1):c.2744T>G (p.Leu915Arg)

Gene: NCOR1 (nuclear receptor corepressor 1; minus strand). Cytogenetic location: 17p12.
Variant type: single nucleotide variant.
Coding change: c.2744T>G on transcript NM_006311.4 (MANE Select); coding-DNA position 2744, T replaced by G.
Protein change: p.Leu915Arg; replaces leucine 915 with arginine.
Molecular consequence: missense variant.
Genome position (GRCh38, 1-based): chr17:16,098,443, A>C on the plus strand (T>G on the coding strand, the complement: NCOR1 is on the minus strand). VCF-style: chr17-16098443-A-C. GRCh37 (hg19) VCF-style: chr17-16001757-A-C.
Other names: c.2465T>G, p.Leu822Arg (NM_001190438.2); c.2792T>G, p.Leu931Arg (NM_001190440.2); short protein forms L822R, L915R, L931R.
Identifiers: ClinVar variation 3033586 (VCV003033586.9), dbSNP rs150168981, ClinGen allele CA8408948.

ClinVar aggregate classification (germline): Likely benign. Review status: criteria provided, single submitter (1 of 4 stars). 2 submissions from 2 submitters: Likely benign (1). 1 of the submissions does not count toward it. Last evaluated 2025-03-01.

Conditions:
NCOR1-related disorder. Also called: NCOR1-related condition.

Allele frequency attached by ClinVar (database versions not stated): 1000 Genomes Project 30x 0.00031; TOPMed 0.00077; ESP Exome Variant Server 0.00092; gnomAD 0.00097; ExAC 0.00130; gnomAD exomes 0.00131.
gnomAD v4.1: 2,037 of 1,613,978 alleles (0.13%); highest among the groups gnomAD compares: Non-Finnish European, 0.14%; 4 homozygotes.

Submissions (2):

CeGaT Center for Human Genetics Tuebingen
Classification: Likely benign. Last evaluated: 2025-03-01. Review status: criteria provided, single submitter. Criteria: CeGaT Center For Human Genetics Tuebingen Variant Classification Criteria Version 2. Collection method: clinical testing. Allele origin: germline. Affected: yes. Observed: 1 variant allele.
Comment: NCOR1: BS2

PreventionGenetics, part of Exact Sciences
Classification: Likely benign for NCOR1-related condition. Last evaluated: 2022-05-09. Review status: no assertion criteria provided. Collection method: clinical testing. Allele origin: germline. Not counted in ClinVar's aggregate classification.
Comment: This variant is classified as likely benign based on ACMG/AMP sequence variant interpretation guidelines (Richards et al. 2015 PMID: 25741868, with internal and published modifications).